The following is an entry in ClinVar:

ClinVar aggregate classification (germline): Pathogenic/Likely pathogenic. Review status: criteria provided, multiple submitters, no conflicts (2 of 4 stars). 3 submissions from 3 submitters: Pathogenic (1); Likely pathogenic (2). Last evaluated 2024-05-17.

Conditions:
Cardiomyopathy (CMYO). Also called: Cardiomyopathies. Identifiers: Orphanet 167848, MedGen C0878544, MONDO:0004994, HP:0001638. Inheritance: Various modes of inheritance.
Arrhythmogenic right ventricular dysplasia 8 (ARVD8). Also called: ARRHYTHMOGENIC RIGHT VENTRICULAR DYSPLASIA, FAMILIAL, 8; Arrhythmogenic Right Ventricular Dysplasia/Cardiomyopathy 8; ARRHYTHMOGENIC RIGHT VENTRICULAR CARDIOMYOPATHY 8. Identifiers: MedGen C1843896, MONDO:0011831, OMIM 607450.
Arrhythmogenic cardiomyopathy with wooly hair and keratoderma. Also called: Arrhythmogenic cardiomyopathy with woolly hair and keratoderma; Dilated cardiomyopathy with woolly hair and keratoderma; PALMOPLANTAR KERATODERMA WITH LEFT VENTRICULAR CARDIOMYOPATHY AND WOOLLY HAIR; Carvajal syndrome. Identifiers: Orphanet 65282, MedGen C1854063, MONDO:0011581, OMIM 605676.

Allele frequency attached by ClinVar (database versions not stated): gnomAD 0.00001.

Submissions (3):

Labcorp Genetics (formerly Invitae), Labcorp
Classification: Pathogenic for Arrhythmogenic cardiomyopathy with wooly hair and keratoderma; Arrhythmogenic right ventricular dysplasia 8. Last evaluated: 2024-05-17. Review status: criteria provided, single submitter. Criteria: Invitae Variant Classification Sherloc (09022015). Collection method: clinical testing. Allele origin: germline.
Comment: This sequence change creates a premature translational stop signal (p.Tyr1981Leufs*2) in the DSP gene. While this is not anticipated to result in nonsense mediated decay, it is expected to disrupt the last 891 amino acid(s) of the DSP protein. This variant is not present in population databases (gnomAD no frequency). This premature translational stop signal has been observed in individual(s) with DSP-related conditions (PMID: 32746448, 35083019). ClinVar contains an entry for this variant (Variation ID: 632792). This variant disrupts a region of the DSP protein in which other variant(s) (p.Gln2667*) have been determined to be pathogenic (PMID: 20400443, 27194543). This suggests that this is a clinically significant region of the protein, and that variants that disrupt it are likely to be disease-causing. For these reasons, this variant has been classified as Pathogenic.

Women's Health and Genetics/Laboratory Corporation of America, LabCorp
Classification: Likely pathogenic for Cardiomyopathy. Last evaluated: 2018-11-19. Review status: criteria provided, single submitter. Criteria: LabCorp Variant Classification Summary - May 2015. Collection method: clinical testing. Allele origin: germline.
Comment: Variant summary: DSP c.5940dupC (p.Tyr1981LeufsX2) results in a premature termination codon, predicted to cause a truncation of the encoded protein or absence of the protein due to nonsense mediated decay, which are commonly known mechanisms for disease. Truncations downstream of this position have been classified as pathogenic/likely pathogenic by our laboratory (eg. c.6273delA/p.Ala2092fsX24). The variant was absent in 246194 control chromosomes. To our knowledge, no occurrence of c.5940dupC in individuals affected with Cardiomyopathy and no experimental evidence demonstrating its impact on protein function have been reported. No clinical diagnostic laboratories have submitted clinical-significance assessments for this variant to ClinVar after 2014. Based on the evidence outlined above, the variant was classified as likely pathogenic.

GeneDx
Classification: Likely pathogenic. Last evaluated: 2018-09-27. Review status: criteria provided, single submitter. Criteria: GeneDx Variant Classification Process June 2021. Collection method: clinical testing. Allele origin: germline. Affected: yes.
Comment: Frameshift variant predicted to result in protein truncation in a gene for which loss-of-function is a known mechanism of disease; Not observed in large population cohorts (Lek et al., 2016); Has not been previously published as pathogenic or benign to our knowledge; Multiple downstream frameshift and nonsense variants reported in the Human Gene Mutation Database in association with DSP-related disorders (Stenson et al., 2014),

Literature cited by the submitters: PubMed 32746448 (cited by Labcorp Genetics (formerly Invitae), Labcorp); PubMed 35083019 (cited by Labcorp Genetics (formerly Invitae), Labcorp); PubMed 20400443 (cited by Labcorp Genetics (formerly Invitae), Labcorp); PubMed 27194543 (cited by Labcorp Genetics (formerly Invitae), Labcorp).

NM_004415.4(DSP):c.5940dup (p.Tyr1981fs)

Gene: DSP (desmoplakin; plus strand). Cytogenetic location: 6p24.3.
Variant type: Duplication.
Coding change: c.5940dup on transcript NM_004415.4 (MANE Select); coding-DNA position 5940, one base duplicated (C; older notation c.5940dupC).
Protein change: p.Tyr1981fs; shifts the reading frame from tyrosine 1981.
Molecular consequence: frameshift variant.
Genome position (GRCh38, 1-based): chr6:7,583,202, C duplicated. VCF-style (leftmost placement, unchanged base first): chr6-7583201-T-TC. GRCh37 (hg19) VCF-style: chr6-7583434-T-TC.
Other names: c.4143dup, p.Tyr1382fs (NM_001008844.3); c.4611dup, p.Tyr1538fs (NM_001319034.2); c.5940dupC (NM_004415.2); short protein forms Y1981fs, Y1382fs, Y1538fs.
Identifiers: ClinVar variation 632792 (VCV000632792.5), dbSNP rs1561701721, ClinGen allele CA913190019.